The following is an entry in ClinVar:

ClinVar aggregate classification (germline): Uncertain significance (1 of 4 stars; one submission).

Conditions:
Congenital hyperammonemia, type I. Also called: CPS I DEFICIENCY; Carbamoyl phosphate synthetase 1 deficiency; Hyperammonemia due to carbamoyl phosphate synthetase 1 deficiency; CPS 1 deficiency; Carbamyl phosphate synthetase (CPS) deficiency; Carbamoyl-phosphate synthase I deficiency. Identifiers: Orphanet 147, MedGen C4082171, MONDO:0009376, OMIM 237300.

Submission:

Department of Pediatrics, Guangdong Medical University
Classification: Uncertain significance for Congenital hyperammonemia, type I. Last evaluated: 2026-09-17. Review status: criteria provided, single submitter. Criteria: ACMG Guidelines, 2015. Collection method: provider interpretation. Allele origin: inherited. Inheritance: Autosomal recessive inheritance. Affected: yes. Observed: 1 variant allele, 1 compound heterozygote.
Comment: The variant is absent from population databases (PM2) and multiple in silico tools predict a damaging effect (PP3). However, functional studies are lacking, and it remains a VUS.

NM_001875.5(CPS1):c.1136A>T (p.Glu379Val)

Gene: CPS1 (carbamoyl-phosphate synthase 1; plus strand). Cytogenetic location: 2q34.
Variant type: single nucleotide variant.
Coding change: c.1136A>T on transcript NM_001875.5 (MANE Select); coding-DNA position 1136, A replaced by T.
Protein change: p.Glu379Val; replaces glutamic acid 379 with valine.
Molecular consequence: missense variant. On other transcripts: non-coding transcript variant (1).
Genome position (GRCh38, 1-based): chr2:210,592,928, A>T. VCF-style: chr2-210592928-A-T. GRCh37 (hg19) VCF-style: chr2-211457652-A-T.
Other names: p.Glu379Val; c.1136A>T, p.Glu379Val (NM_001122633.3, NM_001369257.1); c.1169A>T, p.Glu390Val (NM_001369256.1); short protein forms E390V, E379V.
Identifiers: ClinVar variation 4974757 (VCV004974757.1).